The following is an entry in ClinVar:

ClinVar aggregate classification (germline): Benign/Likely benign. Review status: criteria provided, multiple submitters, no conflicts (2 of 4 stars). 3 submissions from 3 submitters: Benign (1); Likely benign (2). Last evaluated 2025-07-29.

Conditions:
Hereditary nonpolyposis colorectal neoplasms. Identifiers: MedGen C0009405, MeSH D003123.
Hereditary cancer-predisposing syndrome. Also called: Tumor predisposition; Neoplastic Syndromes, Hereditary; Hereditary Cancer Syndrome; Hereditary neoplastic syndrome. Identifiers: Orphanet 140162, MedGen C0027672, MeSH D009386, MONDO:0015356.
Lynch syndrome 5 (LYNCH5). Also called: Colorectal cancer, hereditary nonpolyposis, type 5; Hereditary non-polyposis colorectal cancer, type 5. Identifiers: Orphanet 144, MedGen C1833477, MONDO:0013710, OMIM 614350. Disease mechanism: loss of function.

gnomAD v4.1: 1 of 1,463,152 alleles (0.000068%); highest among the groups gnomAD compares: Non-Finnish European, 0.00009%; no homozygotes.

Submissions (3):

Labcorp Genetics (formerly Invitae), Labcorp
Classification: Likely benign for Hereditary nonpolyposis colorectal neoplasms. Last evaluated: 2025-07-29. Review status: criteria provided, single submitter. Criteria: Invitae Variant Classification Sherloc (09022015). Collection method: clinical testing. Allele origin: germline.

Ambry Genetics
Classification: Likely benign for Hereditary cancer-predisposing syndrome. Last evaluated: 2025-06-27. Review status: criteria provided, single submitter. Criteria: Ambry Variant Classification Scheme 2023. Collection method: clinical testing. Allele origin: germline.

Myriad Genetics, Inc.
Classification: Benign for Lynch syndrome 5. Last evaluated: 2024-12-17. Review status: criteria provided, single submitter. Criteria: Myriad Autosomal Dominant, Autosomal Recessive and X-Linked Classification Criteria (2023). Collection method: clinical testing. Allele origin: unknown.
Comment: This variant is considered benign. This variant is a silent/synonymous amino acid change and it is not expected to impact splicing.

NM_000179.3(MSH6):c.226C>T (p.Leu76=)

Gene: MSH6 (mutS homolog 6; plus strand). Cytogenetic location: 2p16.3.
Variant type: single nucleotide variant.
Coding change: c.226C>T on transcript NM_000179.3 (MANE Select); coding-DNA position 226, C replaced by T.
Protein change: p.Leu76=; no amino-acid change (leucine 76 retained).
Molecular consequence: synonymous variant. On other transcripts: 5 prime UTR variant (1).
Genome position (GRCh38, 1-based): chr2:47,783,459, C>T. VCF-style: chr2-47783459-C-T. GRCh37 (hg19) VCF-style: chr2-48010598-C-T.
Other names: c.226C>T, p.Leu76= (NM_001281492.2); c.-511C>T (NM_001281493.2); c.226C>T (NM_000179.2).
Identifiers: ClinVar variation 1108453 (VCV001108453.11), dbSNP rs1553408398, ClinGen allele CA426120837.